The following is an entry in ClinVar:

NM_003922.4(HERC1):c.5493T>A (p.Asp1831Glu)

Gene: HERC1 (HECT and RLD domain containing E3 ubiquitin protein ligase family member 1; minus strand). Cytogenetic location: 15q22.31.
Variant type: single nucleotide variant.
Coding change: c.5493T>A on transcript NM_003922.4 (MANE Select); coding-DNA position 5493, T replaced by A.
Protein change: p.Asp1831Glu; replaces aspartic acid 1831 with glutamic acid.
Molecular consequence: missense variant.
Genome position (GRCh38, 1-based): chr15:63,694,145, A>T on the plus strand (T>A on the coding strand, the complement: HERC1 is on the minus strand). VCF-style: chr15-63694145-A-T. GRCh37 (hg19) VCF-style: chr15-63986344-A-T.
Other names: short protein forms D1831E.
Identifiers: ClinVar variation 1810448 (VCV001810448.1), dbSNP rs1352646987, ClinGen allele CA392747060.

ClinVar aggregate classification (germline): Uncertain significance (1 of 4 stars; one submission).

Submission:

GeneDx
Classification: Uncertain significance. Last evaluated: 2022-07-08. Review status: criteria provided, single submitter. Criteria: GeneDx Variant Classification Process June 2021. Collection method: clinical testing. Allele origin: germline. Affected: yes.
Comment: Not observed at significant frequency in large population cohorts (gnomAD); In silico analysis supports that this missense variant does not alter protein structure/function; Has not been previously published as pathogenic or benign to our knowledge